The following is an entry in ClinVar:

NM_024537.4(CARS2):c.563C>T (p.Thr188Met)

Gene: CARS2 (cysteinyl-tRNA synthetase 2, mitochondrial; minus strand). Cytogenetic location: 13q34.
Variant type: single nucleotide variant.
Coding change: c.563C>T on transcript NM_024537.4 (MANE Select); coding-DNA position 563, C replaced by T.
Protein change: p.Thr188Met; replaces threonine 188 with methionine.
Molecular consequence: missense variant. On other transcripts: 5 prime UTR variant (1), non-coding transcript variant (2).
Genome position (GRCh38, 1-based): chr13:110,687,729, G>A on the plus strand (C>T on the coding strand, the complement: CARS2 is on the minus strand). VCF-style: chr13-110687729-G-A. GRCh37 (hg19) VCF-style: chr13-111340076-G-A.
Other names: p.Thr188Met; c.-437C>T (NM_001352252.2); c.563C>T, p.Thr188Met (NM_001352253.3); short protein forms T188M.
Identifiers: ClinVar variation 475631 (VCV000475631.17), dbSNP rs142034206, ClinGen allele CA7052205.

ClinVar aggregate classification (germline): Uncertain significance. Review status: criteria provided, multiple submitters, no conflicts (2 of 4 stars). 9 submissions from 9 submitters: Uncertain significance (8). 1 of the submissions does not count toward it. Last evaluated 2025-07-08.

Conditions:
Combined oxidative phosphorylation defect type 27. Also called: Combined oxidative phosphorylation deficiency 27. Identifiers: Orphanet 477774, MedGen C5567608, MONDO:0014728, OMIM 616672.
Inborn genetic diseases. Identifiers: MedGen C0950123, MeSH D030342.

Allele frequency attached by ClinVar (database versions not stated): TOPMed 0.00031; ESP Exome Variant Server 0.00062; gnomAD exomes 0.00078 and 0.00029; ExAC 0.00027; gnomAD 0.00029 and 0.00030.
gnomAD v4.1: 1,141 of 1,578,396 alleles (0.072%); highest among the groups gnomAD compares: Non-Finnish European, 0.094%; no homozygotes.

Submissions (9):

Revvity Omics, Revvity
Classification: Uncertain significance for Combined oxidative phosphorylation defect type 27. Last evaluated: 2025-07-08. Review status: criteria provided, single submitter. Criteria: ACMG Guidelines, 2015. Collection method: clinical testing. Allele origin: germline.

Blueprint Genetics
Classification: Uncertain significance. Last evaluated: 2024-11-21. Review status: criteria provided, single submitter. Criteria: ACMG Guidelines, 2015. Collection method: clinical testing. Allele origin: germline.

Mayo Clinic Laboratories, Mayo Clinic
Classification: Uncertain significance. Last evaluated: 2024-01-16. Review status: criteria provided, single submitter. Criteria: ACMG Guidelines, 2015. Collection method: clinical testing. Allele origin: germline. Observed: 1 variant allele.

Women's Health and Genetics/Laboratory Corporation of America, LabCorp
Classification: Uncertain significance. Last evaluated: 2023-10-30. Review status: criteria provided, single submitter. Criteria: LabCorp Variant Classification Summary - May 2015. Collection method: clinical testing. Allele origin: germline.
Comment: Variant summary: CARS2 c.563C>T (p.Thr188Met) results in a non-conservative amino acid change located in the tRNA synthetases class I, catalytic domain (IPR032678) of the encoded protein sequence. Four of five in-silico tools predict a damaging effect of the variant on protein function. The variant allele was found at a frequency of 0.00029 in 241100 control chromosomes (gnomAD). c.563C>T has been reported in the literature in individuals affected with Alpers-Huttenlocher syndrome (Samanta_2018, Almubarak_2022). These data do not allow any conclusion about variant significance. To our knowledge, no experimental evidence demonstrating an impact on protein function has been reported. The following publications have been ascertained in the context of this evaluation (PMID: 36360262, 34690748, 34426522, 30139652). Six submitters have cited clinical-significance assessments for this variant to ClinVar after 2014. Based on the evidence outlined above, the variant was classified as uncertain significance.

Labcorp Genetics (formerly Invitae), Labcorp
Classification: Uncertain significance for Combined oxidative phosphorylation defect type 27. Last evaluated: 2022-09-01. Review status: criteria provided, single submitter. Criteria: Invitae Variant Classification Sherloc (09022015). Collection method: clinical testing. Allele origin: germline.
Comment: This sequence change replaces threonine, which is neutral and polar, with methionine, which is neutral and non-polar, at codon 188 of the CARS2 protein (p.Thr188Met). This variant is present in population databases (rs142034206, gnomAD 0.05%). This missense change has been observed in individual(s) with epilepsy and intellectual disability (PMID: 30139652). ClinVar contains an entry for this variant (Variation ID: 475631). Algorithms developed to predict the effect of missense changes on protein structure and function are either unavailable or do not agree on the potential impact of this missense change (SIFT: "Deleterious"; PolyPhen-2: "Probably Damaging"; Align-GVGD: "Class C15"). In summary, the available evidence is currently insufficient to determine the role of this variant in disease. Therefore, it has been classified as a Variant of Uncertain Significance.

Fulgent Genetics
Classification: Uncertain significance for Combined oxidative phosphorylation defect type 27. Last evaluated: 2021-09-16. Review status: criteria provided, single submitter. Criteria: ACMG Guidelines, 2015. Collection method: clinical testing. Allele origin: unknown.

Baylor Genetics
Classification: Uncertain significance for Combined oxidative phosphorylation defect type 27. Last evaluated: 2020-03-13. Review status: criteria provided, single submitter. Criteria: ACMG Guidelines, 2015. Collection method: clinical testing. Allele origin: unknown. Affected: yes.
Comment: This variant was determined to be of uncertain significance according to ACMG Guidelines, 2015 [PMID:25741868].

Ambry Genetics
Classification: Uncertain significance for Inborn genetic diseases. Last evaluated: 2018-11-19. Review status: criteria provided, single submitter. Criteria: Ambry exome assertion method (8-5-2015). Collection method: clinical testing. Allele origin: germline. Affected: yes. Observed: 1 variant allele.

OMIM
Classification: Pathogenic for COMBINED OXIDATIVE PHOSPHORYLATION DEFICIENCY 27. Last evaluated: 2022-03-17. Review status: no assertion criteria provided. Collection method: literature only. Allele origin: germline. Not counted in ClinVar's aggregate classification.

Literature cited by the submitters: PubMed 30139652 (cited by 5 submitters); PubMed 34426522 (cited by Mayo Clinic Laboratories, Mayo Clinic and Women's Health and Genetics/Laboratory Corporation of America, LabCorp); PubMed 34690748 (cited by Mayo Clinic Laboratories, Mayo Clinic and Women's Health and Genetics/Laboratory Corporation of America, LabCorp); PubMed 34704010 (cited by Mayo Clinic Laboratories, Mayo Clinic); PubMed 36360262 (cited by Mayo Clinic Laboratories, Mayo Clinic and Women's Health and Genetics/Laboratory Corporation of America, LabCorp); PubMed 37151360 (cited by Mayo Clinic Laboratories, Mayo Clinic).